The following is an entry in ClinVar:

ClinVar aggregate classification (germline): Uncertain significance (1 of 4 stars; one submission).

Conditions:
Hereditary cancer-predisposing syndrome. Also called: Neoplastic Syndromes, Hereditary; Tumor predisposition; Hereditary neoplastic syndrome; Hereditary Cancer Syndrome. Identifiers: Orphanet 140162, MedGen C0027672, MeSH D009386, MONDO:0015356.

Submission:

Ambry Genetics
Classification: Uncertain significance for Hereditary cancer-predisposing syndrome. Last evaluated: 2024-06-21. Review status: criteria provided, single submitter. Criteria: Ambry Variant Classification Scheme 2023. Collection method: clinical testing. Allele origin: germline.
Comment: The p.S176T variant (also known as c.527G>C), located in coding exon 3 of the TMEM127 gene, results from a G to C substitution at nucleotide position 527. The serine at codon 176 is replaced by threonine, an amino acid with similar properties. This amino acid position is conserved. In addition, this alteration is predicted to be deleterious by in silico analysis. Based on the available evidence, the clinical significance of this variant remains unclear.

NM_017849.4(TMEM127):c.527G>C (p.Ser176Thr)

Gene: TMEM127 (transmembrane protein 127; minus strand). Cytogenetic location: 2q11.2.
Variant type: single nucleotide variant.
Coding change: c.527G>C on transcript NM_017849.4 (MANE Select); coding-DNA position 527, G replaced by C.
Protein change: p.Ser176Thr; replaces serine 176 with threonine.
Molecular consequence: missense variant.
Genome position (GRCh38, 1-based): chr2:96,253,998, C>G on the plus strand (G>C on the coding strand, the complement: TMEM127 is on the minus strand). VCF-style: chr2-96253998-C-G. GRCh37 (hg19) VCF-style: chr2-96919736-C-G.
Other names: c.527G>C, p.Ser176Thr (NM_001193304.3); c.275G>C, p.Ser92Thr (NM_001407282.1, NM_001407283.1); short protein forms S92T, S176T.
Identifiers: ClinVar variation 3326693 (VCV003326693.1).
Genomic context (GRCh38, chr2:96,253,998, plus strand): 5'-AGGAGGTTGGCTGCCGTGGCCAGGATTGAGGCTCCACCAGCTCCTGCCACCAGGTAGAAG[C>G]TAACGGCGAAGGTGACATAGACCTGGGATCCATGGTACTTCTTATGCTGCTGCTGCTGGG-3'
Protein context (NP_060319.1, residues 166-186): GSQVYVTFAV[Ser176Thr]FYLVAGAGGA